The following continues an entry in ClinVar:

NM_000059.4(BRCA2):c.3680_3681del (p.Leu1227fs)

Gene: BRCA2. ClinVar aggregate classification (germline): Pathogenic. Pathogenic (1).

Submissions 21 to 27 of 27:

Rady Children's Institute for Genomic Medicine, Rady Children's Hospital San Diego
Classification: Pathogenic for Hereditary Breast and Ovarian Cancer Syndrome. Review status: criteria provided, single submitter. Criteria: ACMG Guidelines, 2015. Collection method: clinical testing. Allele origin: germline. Affected: yes. Not counted in ClinVar's aggregate classification.
Comment: This frameshifting variant in exon 11 of 28 introduces a premature stop codon and is therefore predicted to result in loss of normal protein function through either protein truncation or nonsense-mediated mRNA decay (NMD). This variant has been previously reported as a heterozygous change in patients with breast and/or ovarian cancer (PMID: 11179017; 24013928; 25186627; 30159786). The c.3680_3681del variant is present in the heterozygous state in the gnomAD population database at a frequency of 0.00003% (1/31392) and thus is presumed to be rare. Based on the available evidence, the c.3680_3681del variant is classified as Pathogenic.

Molecular Oncology, Hospital Universitario Central de Asturias (HUCA)
Classification: Pathogenic for Breast-ovarian cancer, familial, susceptibility to, 2. Last evaluated: 2021-05-24. Review status: no assertion criteria provided. Collection method: case-control. Allele origin: germline. Affected: yes. Not counted in ClinVar's aggregate classification.

Counsyl
Classification: Pathogenic for Breast-ovarian cancer, familial, susceptibility to, 2. Last evaluated: 2016-02-17. Review status: no assertion criteria provided. Collection method: clinical testing. Allele origin: unknown. Not counted in ClinVar's aggregate classification.

Research Molecular Genetics Laboratory, Women's College Hospital, University of Toronto
Classification: Pathogenic for Hereditary breast ovarian cancer syndrome. Last evaluated: 2014-01-31. Review status: no assertion criteria provided. Collection method: research. Allele origin: germline. Affected: yes. Study: The Canadian Open Genetics Repository (COGR). Not counted in ClinVar's aggregate classification.

Sharing Clinical Reports Project (SCRP)
Classification: Pathogenic for Breast-ovarian cancer, familial 2. Last evaluated: 2013-03-12. Review status: no assertion criteria provided. Collection method: clinical testing. Allele origin: germline. Not counted in ClinVar's aggregate classification.

Breast Cancer Information Core (BIC) (BRCA2)
Classification: Pathogenic for Breast-ovarian cancer, familial 2. Last evaluated: 2002-05-29. Review status: no assertion criteria provided. Collection method: clinical testing. Allele origin: germline. Affected: yes. Observed: 8 variant alleles. Not counted in ClinVar's aggregate classification.

Department of Pathology and Laboratory Medicine, Sinai Health System
Classification: Pathogenic. Review status: no assertion criteria provided. Collection method: clinical testing. Allele origin: unknown. Affected: yes. Observed: 1 variant allele. Study: The Canadian Open Genetics Repository (COGR). Not counted in ClinVar's aggregate classification.
Comment: The BRCA2 p.Leu1227Glnfs*5 variant was identified in 7 of 12390 proband chromosomes (frequency: 0.00056) from individuals or families with colorectal, breast or ovarian cancer (Dobbins 2016, Palmero 2018, Peixoto 2015, Shirts 2016, Song 2014). The variant was also identified in the following databases: dbSNP (ID: rs80359395) as "With Pathogenic allele ", ClinVar (classified as pathogenic by Invitae, Ambry Genetics, GeneDx and nine clinical laboratories), LOVD 3.0 (9x as pathogenic), UMD-LSDB (3x as causal ), BIC Database (8x with clinical importance), and in ARUP Laboratories (definitely pathogenic). The variant was not identified in Cosmic, Zhejiang University, the 1000 Genomes Project, the NHLBI GO Exome Sequencing Project, the Exome Aggregation Consortium (August 8th 2016), or the Genome Aggregation Database (Feb 27, 2017). The c.3680_3681del variant is predicted to cause a frameshift, which alters the protein's amino acid sequence beginning at codon 1227 and leads to a premature stop codon at position 1231. This alteration is then predicted to result in a truncated or absent protein and loss of function. Loss of function variants of the BRCA2 gene are an established mechanism of disease in breast and ovarian cancer and is the type of variant expected to cause the disorder. In summary, based on the above information this variant meets our laboratoryâ€šÃ„Ã´s criteria to be classified as pathogenic.

Literature cited by the submitters: PubMed 20104584 (cited by Labcorp Genetics (formerly Invitae), Labcorp); PubMed 11179017 (cited by 10 submitters); PubMed 22762150 (cited by 4 submitters); PubMed 24013928 (cited by 8 submitters); PubMed 24728189 (cited by 6 submitters); PubMed 24916970 (cited by 5 submitters); PubMed 26845104 (cited by Labcorp Genetics (formerly Invitae), Labcorp and Color Diagnostics, LLC DBA Color Health); PubMed 27356891 (cited by 5 submitters); PubMed 10359546 (cited by 4 submitters); PubMed 18176857 (cited by 3 submitters); PubMed 21324516 (cited by 3 submitters); PubMed 26287763 (cited by 3 submitters); PubMed 28993434 (cited by 5 submitters); PubMed 29470806 (cited by Ambry Genetics and Quest Diagnostics Nichols Institute San Juan Capistrano); PubMed 30606148 (cited by 3 submitters); PubMed 31263054 (cited by 3 submitters); PubMed 32438681 (cited by Ambry Genetics and Quest Diagnostics Nichols Institute San Juan Capistrano); PubMed 33606809 (cited by Ambry Genetics and Color Diagnostics, LLC DBA Color Health); PubMed 20301425 (cited by Variantyx, Inc.); PubMed 16199546 (cited by Variantyx, Inc.); PubMed 17063271 (cited by Variantyx, Inc.); PubMed 25632310 (cited by Variantyx, Inc.); PubMed 12097290 (cited by Variantyx, Inc.); PubMed 11897832 (cited by Variantyx, Inc.); PubMed 12569143 (cited by Variantyx, Inc.); PubMed 16826315 (cited by Color Diagnostics, LLC DBA Color Health and Women's Health and Genetics/Laboratory Corporation of America, LabCorp); PubMed 22711857 (cited by Color Diagnostics, LLC DBA Color Health); PubMed 33471991 (cited by 3 submitters); PubMed 34657373 (cited by 3 submitters); PubMed 35534704 (cited by 3 submitters); PubMed 36853301 (cited by 3 submitters); PubMed 38922859 (cited by Color Diagnostics, LLC DBA Color Health and Molecular Oncology, Hospital Universitario Central de Asturias (HUCA)); PubMed 30159786 (cited by Quest Diagnostics Nichols Institute San Juan Capistrano and Mayo Clinic Laboratories, Mayo Clinic); PubMed 37536918 (cited by Quest Diagnostics Nichols Institute San Juan Capistrano); PubMed 29907814 (cited by Quest Diagnostics Nichols Institute San Juan Capistrano and Sema4); PubMed 32868316 (cited by Quest Diagnostics Nichols Institute San Juan Capistrano and Mayo Clinic Laboratories, Mayo Clinic); PubMed 25186627 (cited by 3 submitters); PubMed 29884136 (cited by Mayo Clinic Laboratories, Mayo Clinic); PubMed 32427313 (cited by Mayo Clinic Laboratories, Mayo Clinic); PubMed 2684510 (cited by Dasa); PubMed 29446198 (cited by Sema4); PubMed 35535697 (cited by Laan Lab, Human Genetics Research Group, University of Tartu); PubMed 17148771 (cited by Women's Health and Genetics/Laboratory Corporation of America, LabCorp).